The following is an entry in ClinVar:

NM_004447.6(EPS8):c.1131A>G (p.Leu377=)

Gene: EPS8 (EGFR pathway substrate 8, signaling adaptor; minus strand). Cytogenetic location: 12p12.3.
Variant type: single nucleotide variant.
Coding change: c.1131A>G on transcript NM_004447.6 (MANE Select); coding-DNA position 1131, A replaced by G.
Protein change: p.Leu377=; no amino-acid change (leucine 377 retained).
Molecular consequence: synonymous variant. On other transcripts: non-coding transcript variant (3).
Genome position (GRCh38, 1-based): chr12:15,654,264, T>C on the plus strand (A>G on the coding strand, the complement: EPS8 is on the minus strand). VCF-style: chr12-15654264-T-C. GRCh37 (hg19) VCF-style: chr12-15807198-T-C.
Other names: c.1131A>G, p.Leu377= (NM_001413831.1, NM_001413832.1, NM_001413833.1 and 2 more transcripts); c.891A>G, p.Leu297= (NM_001413835.1, NM_001413836.1); c.714A>G, p.Leu238= (NM_001413837.1); c.351A>G, p.Leu117= (NM_001413838.1).
Identifiers: ClinVar variation 3052351 (VCV003052351.2), dbSNP rs2540355251, ClinGen allele CA478749444.
Genomic context (GRCh38, chr12:15,654,264, plus strand): 5'-AGTATAATTTAAGAAATCAATTGTGTCCTTATTCAATAGGGGACTAAGTACTGAACTGGC[T>C]AGTTCAGGACCTCCTGTTGCCTGCACCACCTAAGATAATAAACCATTTTTTAGCAAGAAG-3'
Protein context (NP_004438.3, residues 367-387): MVVQATGGPE[Leu377=]ASSVLSPLLN

ClinVar aggregate classification (germline): Likely benign (0 of 4 stars; one submission).

Conditions:
EPS8-related disorder. Also called: EPS8-related condition.

Submission:

PreventionGenetics, part of Exact Sciences
Classification: Likely benign for EPS8-related condition. Last evaluated: 2019-08-29. Review status: no assertion criteria provided. Collection method: clinical testing. Allele origin: germline.
Comment: This variant is classified as likely benign based on ACMG/AMP sequence variant interpretation guidelines (Richards et al. 2015 PMID: 25741868, with internal and published modifications).